The following is an entry in ClinVar:

NM_144498.4(OSBPL2):c.37+9_37+13del

Gene: OSBPL2 (oxysterol binding protein like 2; plus strand). Cytogenetic location: 20q13.33.
Variant type: Deletion.
Coding change: c.37+9_37+13del on transcript NM_144498.4 (MANE Select); bases 9 to 13 of the intron after coding-DNA position 37, 5 bases deleted (AAAGA; older notation c.37+9_37+13delAAAGA).
Molecular consequence: intron variant.
Genome position (GRCh38, 1-based): chr20:62,256,230-62,256,234, AAAGA deleted; deleting any 5 consecutive bases within chr20:62,256,229-62,256,234 gives the same sequence; the c. name uses the placement nearest the transcript's 3' end. VCF-style (leftmost placement, unchanged base first): chr20-62256228-CAAAAG-C. GRCh37 (hg19) VCF-style: chr20-60831284-CAAAAG-C.
Other names: c.-330+9_-330+13del (NM_001363878.2); c.37+9_37+13del (NM_014835.5); c.-185+9_-185+13del (NM_001278649.3).
Identifiers: ClinVar variation 3053839 (VCV003053839.2), dbSNP rs760941707, ClinGen allele CA9938306.

ClinVar aggregate classification (germline): Likely benign (0 of 4 stars; one submission).

Conditions:
OSBPL2-related disorder. Also called: OSBPL2-related condition.

Submission:

PreventionGenetics, part of Exact Sciences
Classification: Likely benign for OSBPL2-related condition. Last evaluated: 2019-08-20. Review status: no assertion criteria provided. Collection method: clinical testing. Allele origin: germline.
Comment: This variant is classified as likely benign based on ACMG/AMP sequence variant interpretation guidelines (Richards et al. 2015 PMID: 25741868, with internal and published modifications).